The following is an entry in ClinVar:

NM_006648.4(WNK2):c.563C>A (p.Thr188Asn)

Gene: WNK2 (WNK lysine deficient protein kinase 2; plus strand). Cytogenetic location: 9q22.31.
Variant type: single nucleotide variant.
Coding change: c.563C>A on transcript NM_006648.4 (MANE Select); coding-DNA position 563, C replaced by A.
Protein change: p.Thr188Asn; replaces threonine 188 with asparagine.
Molecular consequence: missense variant.
Genome position (GRCh38, 1-based): chr9:93,185,492, C>A. VCF-style: chr9-93185492-C-A. GRCh37 (hg19) VCF-style: chr9-95947774-C-A.
Other names: c.563C>A, p.Thr188Asn (NM_001282394.3); short protein forms T188N.
Identifiers: ClinVar variation 4605322 (VCV004605322.1).

ClinVar aggregate classification (germline): Uncertain significance (1 of 4 stars; one submission).

Submission:

Ambry Genetics
Classification: Uncertain significance. Last evaluated: 2025-10-30. Review status: criteria provided, single submitter. Criteria: Ambry Variant Classification Scheme 2023. Collection method: clinical testing. Allele origin: germline.
Comment: The p.T188N variant (also known as c.563C>A), located in coding exon 1 of the WNK2 gene, results from a C to A substitution at nucleotide position 563. The threonine at codon 188 is replaced by asparagine, an amino acid with similar properties. This amino acid position is conserved. In addition, this alteration is predicted to be tolerated by in silico analysis. Based on the available evidence, the clinical significance of this variant remains unclear.